The following is an entry in ClinVar:

NM_198525.3(KIF7):c.612C>T (p.His204=)

Gene: KIF7 (kinesin family member 7; minus strand). Cytogenetic location: 15q26.1.
Variant type: single nucleotide variant.
Coding change: c.612C>T on transcript NM_198525.3 (MANE Select); coding-DNA position 612, C replaced by T.
Protein change: p.His204=; no amino-acid change (histidine 204 retained).
Molecular consequence: synonymous variant.
Genome position (GRCh38, 1-based): chr15:89,649,285, G>A on the plus strand (C>T on the coding strand, the complement: KIF7 is on the minus strand). VCF-style: chr15-89649285-G-A. GRCh37 (hg19) VCF-style: chr15-90192516-G-A.
Identifiers: ClinVar variation 96657 (VCV000096657.30), dbSNP rs398124613, ClinGen allele CA020433.

ClinVar aggregate classification (germline): Conflicting classifications of pathogenicity. Review status: criteria provided, conflicting classifications (1 of 4 stars). 7 submissions from 7 submitters: Uncertain significance (1); Likely benign (6). Last evaluated 2026-05-01.

Conditions:
Acrocallosal syndrome (ACLS). Also called: HALLUX DUPLICATION, POSTAXIAL POLYDACTYLY, AND ABSENCE OF CORPUS CALLOSUM; Schinzel syndrome 1; Absence of corpus callosum with unusual facial appearance, mental deficiency, duplication of the halluces and polydactyly. Identifiers: Orphanet 36, MedGen C0796147, MONDO:0008708, OMIM 200990.

Allele frequency attached by ClinVar (database versions not stated): gnomAD 0.00019 and 0.00021; 1000 Genomes Project 0.00040; 1000 Genomes Project 30x 0.00047; TOPMed 0.00066; gnomAD exomes 0.00140 and 0.00016.

Submissions (7):

CeGaT Center for Human Genetics Tuebingen
Classification: Likely benign. Last evaluated: 2026-05-01. Review status: criteria provided, single submitter. Criteria: CeGaT Center For Human Genetics Tuebingen Variant Classification Criteria Version 2. Collection method: clinical testing. Allele origin: germline. Affected: yes. Observed: 7 variant alleles.
Comment: KIF7: BP4, BP7

Labcorp Genetics (formerly Invitae), Labcorp
Classification: Likely benign for Acrocallosal syndrome. Last evaluated: 2026-01-15. Review status: criteria provided, single submitter. Criteria: Invitae Variant Classification Sherloc (09022015). Collection method: clinical testing. Allele origin: germline.

Blueprint Genetics
Classification: Likely benign. Last evaluated: 2022-09-30. Review status: criteria provided, single submitter. Criteria: ACMG Guidelines, 2015. Collection method: clinical testing. Allele origin: germline.

GeneDx
Classification: Likely benign. Last evaluated: 2020-10-17. Review status: criteria provided, single submitter. Criteria: GeneDx Variant Classification Process June 2021. Collection method: clinical testing. Allele origin: germline. Affected: yes.

Illumina Laboratory Services, Illumina
Classification: Likely benign for Acrocallosal syndrome. Last evaluated: 2018-01-13. Review status: criteria provided, single submitter. Criteria: ICSL Variant Classification Criteria 13 December 2019. Collection method: clinical testing. Allele origin: germline.
Comment: This variant was observed in the ICSL laboratory as part of a predisposition screen in an ostensibly healthy population. It had not been previously curated by ICSL or reported in the Human Gene Mutation Database (HGMD: prior to June 1st, 2018), and was therefore a candidate for classification through an automated scoring system. Utilizing variant allele frequency, disease prevalence and penetrance estimates, and inheritance mode, an automated score was calculated to assess if this variant is too frequent to cause the disease. Based on the score and internal cut-off values, a variant classified as likely benign is not then subjected to further curation. The score for this variant resulted in a classification of likely benign for this disease.

Eurofins Ntd Llc (ga)
Classification: Uncertain significance. Last evaluated: 2013-04-05. Review status: criteria provided, single submitter. Criteria: EGL Classification Definitions 2015. Collection method: clinical testing. Allele origin: germline. Observed: 1 variant allele, 1 heterozygote.

PreventionGenetics, part of Exact Sciences
Classification: Likely benign. Review status: criteria provided, single submitter. Criteria: ACMG Guidelines, 2015. Collection method: clinical testing. Allele origin: germline.